The following is an entry in ClinVar:

ClinVar aggregate classification (germline): Uncertain significance. Review status: criteria provided, multiple submitters, no conflicts (2 of 4 stars). 2 submissions from 2 submitters: Uncertain significance (2). Last evaluated 2025-08-21.

Conditions:
Congenital nephrotic syndrome. Also called: Familial nephrotic syndrome. Identifiers: MedGen C3501848, MeSH C535761, MONDO:0002350, HP:0008677.

Allele frequency attached by ClinVar (database versions not stated): gnomAD exomes below 0.00001; gnomAD 0.00001.
gnomAD v4.1: 4 of 1,591,508 alleles (0.00025%); highest among the groups gnomAD compares: Non-Finnish European, 0.00034%; no homozygotes.

Submissions (2):

Labcorp Genetics (formerly Invitae), Labcorp
Classification: Uncertain significance. Last evaluated: 2025-08-21. Review status: criteria provided, single submitter. Criteria: Invitae Variant Classification Sherloc (09022015). Collection method: clinical testing. Allele origin: germline.
Comment: This sequence change replaces leucine, which is neutral and non-polar, with proline, which is neutral and non-polar, at codon 533 of the NPHS1 protein (p.Leu533Pro). The frequency data for this variant in the population databases is considered unreliable, as metrics indicate poor data quality at this position in the gnomAD database. This variant has not been reported in the literature in individuals affected with NPHS1-related conditions. ClinVar contains an entry for this variant (Variation ID: 328870). Invitae Evidence Modeling of protein sequence and biophysical properties (such as structural, functional, and spatial information, amino acid conservation, physicochemical variation, residue mobility, and thermodynamic stability) indicates that this missense variant is expected to disrupt NPHS1 protein function with a positive predictive value of 80%. In summary, the available evidence is currently insufficient to determine the role of this variant in disease. Therefore, it has been classified as a Variant of Uncertain Significance.

Illumina Laboratory Services, Illumina
Classification: Uncertain significance for Congenital nephrotic syndrome. Last evaluated: 2018-01-13. Review status: criteria provided, single submitter. Criteria: ICSL Variant Classification Criteria 13 December 2019. Collection method: clinical testing. Allele origin: germline.

NM_004646.4(NPHS1):c.1598T>C (p.Leu533Pro)

Gene: NPHS1 (NPHS1 adhesion molecule, nephrin; minus strand). Cytogenetic location: 19q13.12.
Variant type: single nucleotide variant.
Coding change: c.1598T>C on transcript NM_004646.4 (MANE Select); coding-DNA position 1598, T replaced by C.
Protein change: p.Leu533Pro; replaces leucine 533 with proline.
Molecular consequence: missense variant.
Genome position (GRCh38, 1-based): chr19:35,846,037, A>G on the plus strand (T>C on the coding strand, the complement: NPHS1 is on the minus strand). VCF-style: chr19-35846037-A-G. GRCh37 (hg19) VCF-style: chr19-36336939-A-G.
Other names: short protein forms L533P.
Identifiers: ClinVar variation 328870 (VCV000328870.6), dbSNP rs886054351, ClinGen allele CA10652376.